The following is an entry in ClinVar:

ClinVar aggregate classification (germline): Uncertain significance (1 of 4 stars; one submission).

Conditions:
Ataxia-telangiectasia syndrome (AT). Also called: Cerebello-oculocutaneous telangiectasia; Immunodeficiency with ataxia telangiectasia; ATAXIA-TELANGIECTASIA, COMPLEMENTATION GROUP A; ATAXIA-TELANGIECTASIA, FRESNO VARIANT; Ataxia-telangiectasia, complementation group E; LOUIS-BAR SYNDROME. Identifiers: Orphanet 100, MedGen C0004135, MONDO:0008840, OMIM 208900.

Submission:

Labcorp Genetics (formerly Invitae), Labcorp
Classification: Uncertain significance for Ataxia-telangiectasia syndrome. Last evaluated: 2025-09-14. Review status: criteria provided, single submitter. Criteria: Invitae Variant Classification Sherloc (09022015). Collection method: clinical testing. Allele origin: germline.
Comment: This sequence change replaces isoleucine, which is neutral and non-polar, with threonine, which is neutral and polar, at codon 815 of the ATM protein (p.Ile815Thr). This variant is not present in population databases (gnomAD no frequency). This variant has not been reported in the literature in individuals affected with ATM-related conditions. ClinVar contains an entry for this variant (Variation ID: 1518600). Invitae Evidence Modeling of protein sequence and biophysical properties (such as structural, functional, and spatial information, amino acid conservation, physicochemical variation, residue mobility, and thermodynamic stability) indicates that this missense variant is not expected to disrupt ATM protein function with a negative predictive value of 95%. In summary, the available evidence is currently insufficient to determine the role of this variant in disease. Therefore, it has been classified as a Variant of Uncertain Significance.

NM_000051.4(ATM):c.2444T>C (p.Ile815Thr)

Gene: ATM (ATM serine/threonine kinase; plus strand). Cytogenetic location: 11q22.3.
Variant type: single nucleotide variant.
Coding change: c.2444T>C on transcript NM_000051.4 (MANE Select); coding-DNA position 2444, T replaced by C.
Protein change: p.Ile815Thr; replaces isoleucine 815 with threonine.
Molecular consequence: missense variant.
Genome position (GRCh38, 1-based): chr11:108,259,053, T>C. VCF-style: chr11-108259053-T-C. GRCh37 (hg19) VCF-style: chr11-108129780-T-C.
Other names: c.2444T>C, p.Ile815Thr (NM_001351834.2); short protein forms I815T.
Identifiers: ClinVar variation 1518600 (VCV001518600.8), dbSNP rs2135422030, ClinGen allele CA382541342.
Genomic context (GRCh38, chr11:108,259,053, plus strand): 5'-CAAATAAGATTGCATCTGGCTTTTTCCTGCGATTGTTAACATCAAAGCTAATGAATGACA[T>C]TGCAGATATTTGTAAAAGTTTAGTAAGTATGCTTCCTGTTTTGCTATCATATTTTGATTC-3'
Protein context (NP_000042.3, residues 805-825): RLLTSKLMND[Ile815Thr]ADICKSLASF